The following is an entry in ClinVar:

ClinVar aggregate classification (germline): Uncertain significance. Review status: criteria provided, multiple submitters, no conflicts (2 of 4 stars). 5 submissions from 5 submitters: Uncertain significance (5). Last evaluated 2026-01-28.

Conditions:
Inborn genetic diseases. Identifiers: MedGen C0950123, MeSH D030342.
DCHS1-related disorder. Also called: DCHS1-related condition.

Allele frequency attached by ClinVar (database versions not stated): gnomAD exomes 0.00004 and 0.00008; gnomAD 0.00007 and 0.00008; ExAC 0.00008; TOPMed 0.00009; ESP Exome Variant Server 0.00015.
gnomAD v4.1: 134 of 1,612,052 alleles (0.0083%); highest among the groups gnomAD compares: Non-Finnish European, 0.0096%; no homozygotes.

Submissions (5):

Labcorp Genetics (formerly Invitae), Labcorp
Classification: Uncertain significance. Last evaluated: 2026-01-28. Review status: criteria provided, single submitter. Criteria: Invitae Variant Classification Sherloc (09022015). Collection method: clinical testing. Allele origin: germline.
Comment: This sequence change replaces arginine, which is basic and polar, with histidine, which is basic and polar, at codon 2170 of the DCHS1 protein (p.Arg2170His). This variant is present in population databases (rs147106756, gnomAD 0.01%). This variant has not been reported in the literature in individuals affected with DCHS1-related conditions. ClinVar contains an entry for this variant (Variation ID: 1371982). Invitae Evidence Modeling of protein sequence and biophysical properties (such as structural, functional, and spatial information, amino acid conservation, physicochemical variation, residue mobility, and thermodynamic stability) indicates that this missense variant is not expected to disrupt DCHS1 protein function with a negative predictive value of 80%. In summary, the available evidence is currently insufficient to determine the role of this variant in disease. Therefore, it has been classified as a Variant of Uncertain Significance.

Ambry Genetics
Classification: Uncertain significance for Inborn genetic diseases. Last evaluated: 2025-08-29. Review status: criteria provided, single submitter. Criteria: Ambry Variant Classification Scheme 2023. Collection method: clinical testing. Allele origin: germline.

Blueprint Genetics
Classification: Uncertain significance. Last evaluated: 2024-10-23. Review status: criteria provided, single submitter. Criteria: ACMG Guidelines, 2015. Collection method: clinical testing. Allele origin: germline.

CeGaT Center for Human Genetics Tuebingen
Classification: Uncertain significance. Last evaluated: 2024-02-01. Review status: criteria provided, single submitter. Criteria: CeGaT Center For Human Genetics Tuebingen Variant Classification Criteria Version 2. Collection method: clinical testing. Allele origin: germline. Affected: yes. Observed: 1 variant allele.
Comment: DCHS1: PM2:Supporting

PreventionGenetics, part of Exact Sciences
Classification: Uncertain significance for DCHS1-related condition. Last evaluated: 2023-10-11. Review status: criteria provided, single submitter. Criteria: ACMG Guidelines, 2015. Collection method: clinical testing. Allele origin: germline.
Comment: The DCHS1 c.6509G>A variant is predicted to result in the amino acid substitution p.Arg2170His. To our knowledge, this variant has not been reported in the literature. This variant is reported in 0.010% of alleles in individuals of South Asian descent in gnomAD. At this time, the clinical significance of this variant is uncertain due to the absence of conclusive functional and genetic evidence.

NM_003737.4(DCHS1):c.6509G>A (p.Arg2170His)

Gene: DCHS1 (dachsous cadherin-related 1; minus strand). Cytogenetic location: 11p15.4.
Variant type: single nucleotide variant.
Coding change: c.6509G>A on transcript NM_003737.4 (MANE Select); coding-DNA position 6509, G replaced by A.
Protein change: p.Arg2170His; replaces arginine 2170 with histidine.
Molecular consequence: missense variant.
Genome position (GRCh38, 1-based): chr11:6,626,236, C>T on the plus strand (G>A on the coding strand, the complement: DCHS1 is on the minus strand). VCF-style: chr11-6626236-C-T. GRCh37 (hg19) VCF-style: chr11-6647467-C-T.
Other names: c.6509G>A (NM_003737.2, NM_003737.3); short protein forms R2170H.
Identifiers: ClinVar variation 1371982 (VCV001371982.31), dbSNP rs147106756, ClinGen allele CA5859844.
Genomic context (GRCh38, chr11:6,626,236, plus strand): 5'-AGGGGCCCCTCCAAGGGCCGGGACTCAGGAAGGAAGGCCACATAATGGGGCCGCAGGAAA[C>T]GGGGAGCATTGTCGTTGGCATCTTGCAGGGTCAGGGTCAGCACAGTGAAGGCAAAGGCTC-3'
Protein context (NP_003728.1, residues 2160-2180): TLQDANDNAP[Arg2170His]FLRPHYVAFL